The following is an entry in ClinVar:

NM_015909.4(NBAS):c.3898G>A (p.Ala1300Thr)

Gene: NBAS (NBAS subunit of NRZ tethering complex; minus strand). Cytogenetic location: 2p24.3.
Variant type: single nucleotide variant.
Coding change: c.3898G>A on transcript NM_015909.4 (MANE Select); coding-DNA position 3898, G replaced by A.
Protein change: p.Ala1300Thr; replaces alanine 1300 with threonine.
Molecular consequence: missense variant. On other transcripts: non-coding transcript variant (1).
Genome position (GRCh38, 1-based): chr2:15,356,336, C>T on the plus strand (G>A on the coding strand, the complement: NBAS is on the minus strand). VCF-style: chr2-15356336-C-T. GRCh37 (hg19) VCF-style: chr2-15496460-C-T.
Other names: short protein forms A1300T.
Identifiers: ClinVar variation 2070553 (VCV002070553.2), dbSNP rs776508998, ClinGen allele CA1535861.

ClinVar aggregate classification (germline): Uncertain significance (1 of 4 stars; one submission).

Allele frequency attached by ClinVar (database versions not stated): TOPMed below 0.00001; gnomAD exomes 0.00001; ExAC 0.00002.
gnomAD v4.1: 9 of 1,613,816 alleles (0.00056%); highest among the groups gnomAD compares: East Asian, 0.016%; no homozygotes.

Submission:

Labcorp Genetics (formerly Invitae), Labcorp
Classification: Uncertain significance. Last evaluated: 2023-10-13. Review status: criteria provided, single submitter. Criteria: Invitae Variant Classification Sherloc (09022015). Collection method: clinical testing. Allele origin: germline.
Comment: This sequence change replaces alanine, which is neutral and non-polar, with threonine, which is neutral and polar, at codon 1300 of the NBAS protein (p.Ala1300Thr). This variant is present in population databases (rs776508998, gnomAD 0.006%). This variant has not been reported in the literature in individuals affected with NBAS-related conditions. ClinVar contains an entry for this variant (Variation ID: 2070553). Advanced modeling of protein sequence and biophysical properties (such as structural, functional, and spatial information, amino acid conservation, physicochemical variation, residue mobility, and thermodynamic stability) performed at Invitae indicates that this missense variant is not expected to disrupt NBAS protein function. In summary, the available evidence is currently insufficient to determine the role of this variant in disease. Therefore, it has been classified as a Variant of Uncertain Significance.